The following is an entry in ClinVar:

ClinVar aggregate classification (germline): Likely benign. Review status: criteria provided, multiple submitters, no conflicts (2 of 4 stars). 3 submissions from 3 submitters: Likely benign (3). Last evaluated 2026-08-29.

Conditions:
Cardiomyopathy (CMYO). Also called: Cardiomyopathies. Identifiers: Orphanet 167848, MedGen C0878544, MONDO:0004994, HP:0001638. Inheritance: Various modes of inheritance.
Cardiovascular phenotype. Identifiers: MedGen CN230736.
Hypertrophic cardiomyopathy. Also called: HYPERTROPHIC MYOCARDIOPATHY. Identifiers: Orphanet 217569, MedGen C0007194, MeSH D002312, MONDO:0005045, HP:0001639.

gnomAD v4.1: 1 of 1,523,724 alleles (0.000066%); highest among the groups gnomAD compares: Non-Finnish European, 0.000087%; no homozygotes.

Submissions (3):

Ambry Genetics
Classification: Likely benign for Cardiovascular phenotype. Last evaluated: 2026-08-29. Review status: criteria provided, single submitter. Criteria: Ambry Variant Classification Scheme 2023. Collection method: clinical testing. Allele origin: germline.

All of Us Research Program, National Institutes of Health
Classification: Likely benign for Hypertrophic cardiomyopathy. Last evaluated: 2023-08-08. Review status: criteria provided, single submitter. Criteria: ACMG Guidelines, 2015. Collection method: clinical testing. Allele origin: germline. Inheritance: Autosomal dominant inheritance. Observed: 1 variant allele, 1 heterozygote.
Comment: This study involves interpretation of variants in research participants for the purpose of population health screening. Participant phenotype was not available at the time of variant classification. Additional details can be found in publication PMID: 35346344, PMCID: PMC8962531

Color Diagnostics, LLC DBA Color Health
Classification: Likely benign for Cardiomyopathy. Last evaluated: 2019-10-22. Review status: criteria provided, single submitter. Criteria: ACMG Guidelines, 2015. Collection method: clinical testing. Allele origin: germline.

NM_000256.3(MYBPC3):c.327C>G (p.Ala109=)

Gene: MYBPC3 (myosin binding protein C3; minus strand). Cytogenetic location: 11p11.2.
Variant type: single nucleotide variant.
Coding change: c.327C>G on transcript NM_000256.3 (MANE Select); coding-DNA position 327, C replaced by G.
Protein change: p.Ala109=; no amino-acid change (alanine 109 retained).
Molecular consequence: synonymous variant.
Genome position (GRCh38, 1-based): chr11:47,350,581, G>C on the plus strand (C>G on the coding strand, the complement: MYBPC3 is on the minus strand). VCF-style: chr11-47350581-G-C. GRCh37 (hg19) VCF-style: chr11-47372132-G-C.
Identifiers: ClinVar variation 926155 (VCV000926155.4), dbSNP rs1049825051, ClinGen allele CA221707853.